The following is an entry in ClinVar:

ClinVar aggregate classification (germline): Uncertain significance (1 of 4 stars; one submission).

Submission:

GeneDx
Classification: Uncertain significance. Last evaluated: 2024-10-09. Review status: criteria provided, single submitter. Criteria: GeneDx Variant Classification Process June 2021. Collection method: clinical testing. Allele origin: germline. Affected: yes.
Comment: Not observed at significant frequency in large population cohorts (gnomAD); In silico analysis supports that this missense variant has a deleterious effect on protein structure/function; Has not been previously published as pathogenic or benign to our knowledge

NM_004787.4(SLIT2):c.2659G>C (p.Ala887Pro)

Gene: SLIT2 (slit guidance ligand 2; plus strand). Cytogenetic location: 4p15.31.
Variant type: single nucleotide variant.
Coding change: c.2659G>C on transcript NM_004787.4 (MANE Select); coding-DNA position 2659, G replaced by C.
Protein change: p.Ala887Pro; replaces alanine 887 with proline.
Molecular consequence: missense variant.
Genome position (GRCh38, 1-based): chr4:20,553,902, G>C. VCF-style: chr4-20553902-G-C. GRCh37 (hg19) VCF-style: chr4-20555525-G-C.
Other names: c.2647G>C, p.Ala883Pro (NM_001289135.3); c.2635G>C, p.Ala879Pro (NM_001289136.3); short protein forms A879P, A883P, A887P.
Identifiers: ClinVar variation 3777476 (VCV003777476.1).